The following is an entry in ClinVar:

ClinVar aggregate classification (germline): Uncertain significance (1 of 4 stars; one submission).

Conditions:
Baraitser-Winter syndrome 1 (BRWS1). Also called: PACHYGYRIA, MENTAL RETARDATION, EPILEPSY, AND CHARACTERISTIC FACIES; MENTAL RETARDATION WITH EPILEPSY AND CHARACTERISTIC FACIES; Cerebrofrontofacial syndrome; BARAITSER-WINTER SYNDROME 1, ATYPICAL. Identifiers: Orphanet 2649, Orphanet 2995, MedGen C1855722, MONDO:0009470, OMIM 243310.

Allele frequency attached by ClinVar (database versions not stated): ExAC 0.00001; gnomAD 0.00001; 1000 Genomes Project 30x 0.00016.
gnomAD v4.1: 2 of 1,611,474 alleles (0.00012%); highest among the groups gnomAD compares: African/African-American, 0.0027%; no homozygotes.

Submission:

3billion
Classification: Uncertain significance for Baraitser-Winter syndrome 1. Last evaluated: 2022-01-03. Review status: criteria provided, single submitter. Criteria: ACMG Guidelines, 2015. Collection method: clinical testing. Allele origin: germline. Affected: yes. Observed: 1 heterozygote.
Comment: The variant is observed at an extremely low frequency in the gnomAD v2.1.1 dataset (total allele frequency: 0.000000, PM2_M). In silico tool predictions suggest damaging effect of the variant on gene or gene product (REVEL: 0.84, 3CNET: 0.992, PP3_P). A missense variant is a common mechanism associated with Baraitser-Winter syndrome 1 (PP2_P). Therefore, this variant is classified as uncertain significance according to the recommendation of ACMG/AMP guideline.

NM_001101.5(ACTB):c.59G>A (p.Gly20Asp)

Gene: ACTB (actin beta; minus strand). Cytogenetic location: 7p22.1.
Variant type: single nucleotide variant.
Coding change: c.59G>A on transcript NM_001101.5 (MANE Select); coding-DNA position 59, G replaced by A.
Protein change: p.Gly20Asp; replaces glycine 20 with aspartic acid.
Molecular consequence: missense variant.
Genome position (GRCh38, 1-based): chr7:5,529,599, C>T on the plus strand (G>A on the coding strand, the complement: ACTB is on the minus strand). VCF-style: chr7-5529599-C-T. GRCh37 (hg19) VCF-style: chr7-5569230-C-T.
Other names: short protein forms G20D.
Identifiers: ClinVar variation 1333448 (VCV001333448.1), dbSNP rs536327578, ClinGen allele CA4147205.